The following is an entry in ClinVar:

ClinVar aggregate classification (germline): Uncertain significance. Review status: criteria provided, single submitter (1 of 4 stars). 2 submissions from 2 submitters: Uncertain significance (1). 1 of the submissions does not count toward it. Last evaluated 2023-12-27.

Conditions:
Joubert syndrome. Also called: CEREBELLOPARENCHYMAL DISORDER IV; JOUBERT-BOLTSHAUSER SYNDROME; Familial aplasia of the vermis. Identifiers: Orphanet 475, MedGen C5979921, MONDO:0018772.

Allele frequency attached by ClinVar (database versions not stated): gnomAD 0.00001; ExAC 0.00002; gnomAD exomes 0.00002.

Submissions (2):

Labcorp Genetics (formerly Invitae), Labcorp
Classification: Uncertain significance. Last evaluated: 2023-12-27. Review status: criteria provided, single submitter. Criteria: Invitae Variant Classification Sherloc (09022015). Collection method: clinical testing. Allele origin: germline.
Comment: This sequence change creates a premature translational stop signal (p.Arg230*) in the CLUAP1 gene. It is expected to result in an absent or disrupted protein product. However, the current clinical and genetic evidence is not sufficient to establish whether loss-of-function variants in CLUAP1 cause disease. This variant is present in population databases (rs769705065, gnomAD 0.0009%). This premature translational stop signal has been observed in individual(s) with clinical features of CLUAP1-related conditions (PMID: 28679688). ClinVar contains an entry for this variant (Variation ID: 254178). In summary, the available evidence is currently insufficient to determine the role of this variant in disease. Therefore, it has been classified as a Variant of Uncertain Significance.

Biesecker Lab/Clinical Genomics Section, National Institutes of Health
Classification: Likely pathogenic for Joubert syndrome. Last evaluated: 2016-09-07. Review status: no assertion criteria provided. Collection method: research. Allele origin: germline. Inheritance: Autosomal recessive inheritance. Affected: yes. Observed: 1 variant allele, 1 compound heterozygote. Not counted in ClinVar's aggregate classification.
Comment: This alteration and NM_015041.2:c.338T>G were determined to be in trans based on parental analysis. Genes known to cause Joubert syndrome are involved in primary cilia function and this alteration in CLUAP1 was shown to have an effect on intraflagellar transport. Additionally, this variant is rare in the ExAC database.

Literature cited by the submitters: PubMed 28679688 (cited by Labcorp Genetics (formerly Invitae), Labcorp and Biesecker Lab/Clinical Genomics Section, National Institutes of Health).

NM_015041.3(IFT38):c.688C>T (p.Arg230Ter)

Gene: IFT38 (intraflagellar transport 38; plus strand). Cytogenetic location: 16p13.3.
Variant type: single nucleotide variant.
Coding change: c.688C>T on transcript NM_015041.3 (MANE Select); coding-DNA position 688, C replaced by T.
Protein change: p.Arg230Ter; replaces arginine 230 with a stop codon.
Molecular consequence: nonsense.
Genome position (GRCh38, 1-based): chr16:3,520,011, C>T. VCF-style: chr16-3520011-C-T. GRCh37 (hg19) VCF-style: chr16-3570011-C-T.
Other names: c.688C>T, p.Arg230Ter (NM_001330454.2); c.190C>T, p.Arg64Ter (NM_024793.3); short protein forms R230*, R64*.
Identifiers: ClinVar variation 254178 (VCV000254178.10), dbSNP rs769705065, ClinGen allele CA7863819.
Genomic context (GRCh38, chr16:3,520,011, plus strand): 5'-GAAGCTAATTTAGAAGCCAAAATCGAAAAGAGAAAATTAGAACTGGAAAGAAATCGGAAG[C>T]GACTAGAGACTCTGCAGAGTGTCAGGTAGATATGAACACTTGGAGAATGAGTAGAAAGAT-3'